The following is an entry in ClinVar:

NM_000117.3(EMD):c.409_414del (p.Asp137_Asp138del)

Gene: EMD (emerin; plus strand). Cytogenetic location: Xq28.
Variant type: Deletion.
Coding change: c.409_414del on transcript NM_000117.3 (MANE Select); coding-DNA positions 409 to 414, 6 bases deleted (GACGAT; older notation c.409_414delGACGAT).
Protein change: p.Asp137_Asp138del.
Genome position (GRCh38, 1-based): chrX:154,380,762-154,380,767, GACGAT deleted; deleting any 6 consecutive bases within chrX:154,380,759-154,380,767 gives the same sequence; the c. name uses the placement nearest the transcript's 3' end. VCF-style (leftmost placement, unchanged base first): chrX-154380758-TGATGAC-T. GRCh37 (hg19) VCF-style: chrX-153609118-TGATGAC-T.
Identifiers: ClinVar variation 3684080 (VCV003684080.2).

ClinVar aggregate classification (germline): Uncertain significance (1 of 4 stars; one submission).

Conditions:
X-linked Emery-Dreifuss muscular dystrophy. Also called: Muscular dystrophy, tardive Emery-Dreifuss type, with contractures. Identifiers: Orphanet 261, Orphanet 98863, MedGen C0751337, MONDO:0010680.

Submission:

Labcorp Genetics (formerly Invitae), Labcorp
Classification: Uncertain significance for X-linked Emery-Dreifuss muscular dystrophy. Last evaluated: 2026-01-05. Review status: criteria provided, single submitter. Criteria: Invitae Variant Classification Sherloc (09022015). Collection method: clinical testing. Allele origin: germline.
Comment: This variant, c.409_414del, results in the deletion of 2 amino acid(s) of the EMD protein (p.Asp137_Asp138del), but otherwise preserves the integrity of the reading frame. This variant is not present in population databases (gnomAD no frequency). This variant has not been reported in the literature in individuals affected with EMD-related conditions. ClinVar contains an entry for this variant (Variation ID: 3684080). Experimental studies and prediction algorithms are not available or were not evaluated, and the functional significance of this variant is currently unknown. In summary, the available evidence is currently insufficient to determine the role of this variant in disease. Therefore, it has been classified as a Variant of Uncertain Significance.